The following is an entry in ClinVar:

NM_177438.3(DICER1):c.704A>C (p.Glu235Ala)

Gene: DICER1 (dicer 1, ribonuclease III; minus strand). Cytogenetic location: 14q32.13.
Variant type: single nucleotide variant.
Coding change: c.704A>C on transcript NM_177438.3 (MANE Select); coding-DNA position 704, A replaced by C.
Protein change: p.Glu235Ala; replaces glutamic acid 235 with alanine.
Molecular consequence: missense variant. On other transcripts: 5 prime UTR variant (1), non-coding transcript variant (6).
Genome position (GRCh38, 1-based): chr14:95,129,502, T>G on the plus strand (A>C on the coding strand, the complement: DICER1 is on the minus strand). VCF-style: chr14-95129502-T-G. GRCh37 (hg19) VCF-style: chr14-95595839-T-G.
Other names: c.704A>C, p.Glu235Ala (NM_001195573.1, NM_001271282.3, NM_001291628.2 and 15 more transcripts); c.422A>C, p.Glu141Ala (NM_001395686.1); c.299A>C, p.Glu100Ala (NM_001395687.1, NM_001395688.1, NM_001395689.1 and 3 more transcripts); c.137A>C, p.Glu46Ala (NM_001395691.1); c.-865A>C (NM_001395697.1); short protein forms E141A, E100A, E235A, E46A.
Identifiers: ClinVar variation 2038625 (VCV002038625.5), dbSNP rs1595456744, ClinGen allele CA390888018.

ClinVar aggregate classification (germline): Uncertain significance. Review status: criteria provided, multiple submitters, no conflicts (2 of 4 stars). 2 submissions from 2 submitters: Uncertain significance (2). Last evaluated 2025-04-11.

Conditions:
DICER1-related tumor predisposition. Also called: DICER1-related pleuropulmonary blastoma cancer predisposition syndrome; DICER1 syndrome. Identifiers: Orphanet 284343, MedGen C3839822, MONDO:0100216.
Hereditary cancer-predisposing syndrome. Also called: Hereditary Cancer Syndrome; Tumor predisposition; Neoplastic Syndromes, Hereditary; Hereditary neoplastic syndrome. Identifiers: Orphanet 140162, MedGen C0027672, MeSH D009386, MONDO:0015356.

Submissions (2):

Ambry Genetics
Classification: Uncertain significance for Hereditary cancer-predisposing syndrome. Last evaluated: 2025-04-11. Review status: criteria provided, single submitter. Criteria: Ambry Variant Classification Scheme 2023. Collection method: clinical testing. Allele origin: germline.
Comment: The p.E235A variant (also known as c.704A>C), located in coding exon 5 of the DICER1 gene, results from an A to C substitution at nucleotide position 704. The glutamic acid at codon 235 is replaced by alanine, an amino acid with dissimilar properties. This amino acid position is conserved. In addition, the in silico prediction for this alteration is inconclusive. Based on the available evidence, the clinical significance of this variant remains unclear.

Labcorp Genetics (formerly Invitae), Labcorp
Classification: Uncertain significance for DICER1-related tumor predisposition. Last evaluated: 2021-12-09. Review status: criteria provided, single submitter. Criteria: Invitae Variant Classification Sherloc (09022015). Collection method: clinical testing. Allele origin: germline.
Comment: Algorithms developed to predict the effect of missense changes on protein structure and function are either unavailable or do not agree on the potential impact of this missense change (SIFT: "Deleterious"; PolyPhen-2: "Benign"; Align-GVGD: "Class C65"). This sequence change replaces glutamic acid, which is acidic and polar, with alanine, which is neutral and non-polar, at codon 235 of the DICER1 protein (p.Glu235Ala). This variant is not present in population databases (gnomAD no frequency). This variant has not been reported in the literature in individuals affected with DICER1-related conditions. In summary, the available evidence is currently insufficient to determine the role of this variant in disease. Therefore, it has been classified as a Variant of Uncertain Significance.